The following is an entry in ClinVar:

ClinVar aggregate classification (germline): Conflicting classifications of pathogenicity. Review status: criteria provided, conflicting classifications (1 of 4 stars). 3 submissions from 3 submitters: Uncertain significance (1); Likely benign (1). 1 of the submissions does not count toward it. Last evaluated 2025-05-14.

Conditions:
Inborn genetic diseases. Identifiers: MedGen C0950123, MeSH D030342.
Mucopolysaccharidosis, MPS-II (MPS2). Also called: Attenuated MPS (subtype; formerly known as mild MPS II); Severe MPS II; I2S deficiency; MPS 2; Hunter Syndrome; IDURONATE 2-SULFATASE DEFICIENCY. Identifiers: Orphanet 580, Orphanet 79388, MedGen C0026705, MONDO:0010674, OMIM 309900.
Mucopolysaccharidosis, MPS-III-A (MPS3A). Also called: MPS III A; Mucopolysaccharidosis type IIIA (Sanfilippo A); HEPARAN SULFATE SULFATASE DEFICIENCY; SANFILIPPO SYNDROME A; SULFAMIDASE DEFICIENCY; Mucopolysaccharidosis, type IIIA. Identifiers: Orphanet 581, Orphanet 79269, MedGen C0086647, MONDO:0009655, OMIM 252900.

Allele frequency attached by ClinVar (database versions not stated): TOPMed 0.00002; gnomAD exomes 0.00002 and 0.00004; ExAC 0.00003; gnomAD 0.00003.
gnomAD v4.1: 21 of 1,209,939 alleles (0.0017%); highest among the groups gnomAD compares: East Asian, 0.012%; no homozygotes.

Submissions (3):

Labcorp Genetics (formerly Invitae), Labcorp
Classification: Likely benign for Mucopolysaccharidosis, MPS-II. Last evaluated: 2025-05-14. Review status: criteria provided, single submitter. Criteria: Invitae Variant Classification Sherloc (09022015). Collection method: clinical testing. Allele origin: germline.

Ambry Genetics
Classification: Uncertain significance for Inborn genetic diseases. Last evaluated: 2021-07-22. Review status: criteria provided, single submitter. Criteria: Ambry Variant Classification Scheme 2023. Collection method: clinical testing. Allele origin: germline.
Comment: The p.T367M variant (also known as c.1100C>T), located in coding exon 8 of the IDS gene, results from a C to T substitution at nucleotide position 1100. The threonine at codon 367 is replaced by methionine, an amino acid with similar properties. This amino acid position is conserved. In addition, this alteration is predicted to be deleterious by in silico analysis. Since supporting evidence is limited at this time, the clinical significance of this alteration remains unclear.

Natera, Inc.
Classification: Likely benign for Mucopolysaccharidosis type IIIA. Last evaluated: 2021-09-03. Review status: no assertion criteria provided. Collection method: clinical testing. Allele origin: germline. Not counted in ClinVar's aggregate classification.

NM_000202.8(IDS):c.1100C>T (p.Thr367Met)

Genes: IDS (iduronate 2-sulfatase; minus strand), LOC106050102 (IDS recombination region; plus strand). Cytogenetic location: Xq28.
Variant type: single nucleotide variant.
Coding change: c.1100C>T on transcript NM_000202.8 (MANE Select); coding-DNA position 1100, C replaced by T.
Protein change: p.Thr367Met; replaces threonine 367 with methionine.
Molecular consequence: missense variant.
Genome position (GRCh38, 1-based): chrX:149,487,005, G>A on the plus strand (C>T on the coding strand, the complement: IDS is on the minus strand). VCF-style: chrX-149487005-G-A. GRCh37 (hg19) VCF-style: chrX-148568536-G-A.
Other names: c.830C>T, p.Thr277Met (NM_001166550.4); c.1100C>T (NM_000202.5); short protein forms T277M, T367M.
Identifiers: ClinVar variation 1091352 (VCV001091352.12), dbSNP rs782588855, ClinGen allele CA10537502.
Genomic context (GRCh38, chrX:149,487,005, plus strand): 5'-GCGGAATCAAAAGGGTCGAGGTAAGGGAAAAGCTTCTCGCCTGCCTCCGGAAGTGAAGCC[G>A]TCCTTCCAGGAACATAGAATATCAGGGGAACATGGGTAGCAACATCAAAATTGCTGTATT-3'
Protein context (NP_000193.1, residues 357-377): VPLIFYVPGR[Thr367Met]ASLPEAGEKL